The following is an entry in ClinVar:

ClinVar aggregate classification (germline): Uncertain significance (1 of 4 stars; one submission).

Allele frequency attached by ClinVar (database versions not stated): ExAC 0.00001.
gnomAD v4.1: 1 of 1,614,134 alleles (0.000062%); no homozygotes.

Submission:

Labcorp Genetics (formerly Invitae), Labcorp
Classification: Uncertain significance. Last evaluated: 2024-10-08. Review status: criteria provided, single submitter. Criteria: Invitae Variant Classification Sherloc (09022015). Collection method: clinical testing. Allele origin: germline.
Comment: This sequence change replaces glutamic acid, which is acidic and polar, with lysine, which is basic and polar, at codon 465 of the GHR protein (p.Glu465Lys). This variant is present in population databases (rs34283856, gnomAD 0.006%). This variant has not been reported in the literature in individuals affected with GHR-related conditions. ClinVar contains an entry for this variant (Variation ID: 1504471). Invitae Evidence Modeling of protein sequence and biophysical properties (such as structural, functional, and spatial information, amino acid conservation, physicochemical variation, residue mobility, and thermodynamic stability) indicates that this missense variant is not expected to disrupt GHR protein function with a negative predictive value of 80%. In summary, the available evidence is currently insufficient to determine the role of this variant in disease. Therefore, it has been classified as a Variant of Uncertain Significance.

NM_000163.5(GHR):c.1393G>A (p.Glu465Lys)

Gene: GHR (growth hormone receptor; plus strand). Cytogenetic location: 5p12.
Variant type: single nucleotide variant.
Coding change: c.1393G>A on transcript NM_000163.5 (MANE Select); coding-DNA position 1393, G replaced by A.
Protein change: p.Glu465Lys; replaces glutamic acid 465 with lysine.
Molecular consequence: missense variant. On other transcripts: 3 prime UTR variant (1).
Genome position (GRCh38, 1-based): chr5:42,718,900, G>A. VCF-style: chr5-42718900-G-A. GRCh37 (hg19) VCF-style: chr5-42719002-G-A.
Other names: c.1414G>A, p.Glu472Lys (NM_001242399.2); c.1393G>A, p.Glu465Lys (NM_001242400.2, NM_001242401.4, NM_001242402.2 and 4 more transcripts); c.1327G>A, p.Glu443Lys (NM_001242460.2); c.*435G>A (NM_001242462.1); short protein forms E443K, E472K, E465K.
Identifiers: ClinVar variation 1504471 (VCV001504471.5), dbSNP rs34283856, ClinGen allele CA3254641.